The following is an entry in ClinVar:

NM_000135.4(FANCA):c.3422C>A (p.Ala1141Asp)

Gene: FANCA (FA complementation group A; minus strand). Cytogenetic location: 16q24.3.
Variant type: single nucleotide variant.
Coding change: c.3422C>A on transcript NM_000135.4 (MANE Select); coding-DNA position 3422, C replaced by A.
Protein change: p.Ala1141Asp; replaces alanine 1141 with aspartic acid.
Molecular consequence: missense variant.
Genome position (GRCh38, 1-based): chr16:89,746,675, G>T on the plus strand (C>A on the coding strand, the complement: FANCA is on the minus strand). VCF-style: chr16-89746675-G-T. GRCh37 (hg19) VCF-style: chr16-89813083-G-T.
Other names: c.3422C>A (LRG_495t1); c.3422C>A, p.Ala1141Asp (NM_001286167.3); short protein forms A1141D.
Identifiers: ClinVar variation 134266 (VCV000134266.7), dbSNP rs587778318, ClinGen allele CA159307.

ClinVar aggregate classification (germline): Uncertain significance. Review status: criteria provided, multiple submitters, no conflicts (2 of 4 stars). 4 submissions from 4 submitters: Uncertain significance (2). 2 of the submissions do not count toward it. Last evaluated 2025-08-15.

Conditions:
Fanconi anemia (FA). Also called: Fanconi's anemia. Identifiers: Orphanet 84, MedGen C0015625, MeSH D005199, MONDO:0019391.
Fanconi anemia complementation group A (FANCA). Also called: Fanconi anemia, group A; FANCA-Related Fanconi Anemia. Identifiers: Orphanet 84, MedGen C3469521, MONDO:0009215, OMIM 227650.

Allele frequency attached by ClinVar (database versions not stated): gnomAD exomes below 0.00001; TOPMed below 0.00001; gnomAD 0.00001.
gnomAD v4.1: 5 of 1,614,150 alleles (0.00031%); highest among the groups gnomAD compares: Middle Eastern, 0.033%; no homozygotes.

Submissions (4):

Labcorp Genetics (formerly Invitae), Labcorp
Classification: Uncertain significance for Fanconi anemia. Last evaluated: 2025-08-15. Review status: criteria provided, single submitter. Criteria: Invitae Variant Classification Sherloc (09022015). Collection method: clinical testing. Allele origin: germline.
Comment: This sequence change replaces alanine, which is neutral and non-polar, with aspartic acid, which is acidic and polar, at codon 1141 of the FANCA protein (p.Ala1141Asp). This variant is not present in population databases (gnomAD no frequency). This missense change has been observed in individual(s) with acute lymphocytic leukemia (PMID: 26580448). ClinVar contains an entry for this variant (Variation ID: 134266). Invitae Evidence Modeling of protein sequence and biophysical properties (such as structural, functional, and spatial information, amino acid conservation, physicochemical variation, residue mobility, and thermodynamic stability) indicates that this missense variant is expected to disrupt FANCA protein function with a positive predictive value of 95%. In summary, the available evidence is currently insufficient to determine the role of this variant in disease. Therefore, it has been classified as a Variant of Uncertain Significance.

Revvity Omics, Revvity
Classification: Uncertain significance for Fanconi anemia complementation group A. Last evaluated: 2022-02-24. Review status: criteria provided, single submitter. Criteria: ACMG Guidelines, 2015. Collection method: clinical testing. Allele origin: germline.

Counsyl
Classification: Uncertain significance for Fanconi anemia complementation group A. Last evaluated: 2017-06-23. Review status: no assertion criteria provided. Collection method: clinical testing. Allele origin: unknown. Not counted in ClinVar's aggregate classification.

ITMI
No classification provided. Condition: AllHighlyPenetrant. Last evaluated: 2013-09-19. Review status: no classification provided. Collection method: reference population. Allele origin: germline. Not counted in ClinVar's aggregate classification.
Comment: Please see associated publication for description of ethnicities

Literature cited by the submitters: PubMed 26580448 (cited by Labcorp Genetics (formerly Invitae), Labcorp and Counsyl); PubMed 24728327 (cited by Counsyl and ITMI).